The following is an entry in ClinVar:

ClinVar aggregate classification (germline): Uncertain significance (1 of 4 stars; one submission).

Conditions:
Glycine encephalopathy. Also called: Nonketotic hyperglycinemia; Non-ketotic hyperglycinemia. Identifiers: Orphanet 407, MedGen C0751748, MONDO:0011612, HP:0008288.

Submission:

Labcorp Genetics (formerly Invitae), Labcorp
Classification: Uncertain significance for Glycine encephalopathy. Last evaluated: 2022-09-27. Review status: criteria provided, single submitter. Criteria: Invitae Variant Classification Sherloc (09022015). Collection method: clinical testing. Allele origin: germline.
Comment: ClinVar contains an entry for this variant (Variation ID: 1422184). Algorithms developed to predict the effect of missense changes on protein structure and function (SIFT, PolyPhen-2, Align-GVGD) all suggest that this variant is likely to be tolerated. In summary, the available evidence is currently insufficient to determine the role of this variant in disease. Therefore, it has been classified as a Variant of Uncertain Significance. This variant has not been reported in the literature in individuals affected with GCSH-related conditions. This variant is not present in population databases (gnomAD no frequency). This sequence change replaces leucine, which is neutral and non-polar, with proline, which is neutral and non-polar, at codon 13 of the GCSH protein (p.Leu13Pro).

NM_004483.5(GCSH):c.38T>C (p.Leu13Pro)

Genes: GCSH (glycine cleavage system protein H; minus strand), LOC130059495 (ATAC-STARR-seq lymphoblastoid silent region 7751; plus strand). Cytogenetic location: 16q23.2.
Variant type: single nucleotide variant.
Coding change: c.38T>C on transcript NM_004483.5 (MANE Select); coding-DNA position 38, T replaced by C.
Protein change: p.Leu13Pro; replaces leucine 13 with proline.
Molecular consequence: missense variant. On other transcripts: non-coding transcript variant (1).
Genome position (GRCh38, 1-based): chr16:81,096,241, A>G on the plus strand (T>C on the coding strand, the complement: GCSH is on the minus strand). VCF-style: chr16-81096241-A-G. GRCh37 (hg19) VCF-style: chr16-81129846-A-G.
Other names: short protein forms L13P.
Identifiers: ClinVar variation 1422184 (VCV001422184.8), dbSNP rs2151776055, ClinGen allele CA396889499.
Genomic context (GRCh38, chr16:81,096,241, plus strand): 5'-AGCTGCCAGGGCCTCGGCGGGCAGGGCGCGGCGGGTGACGGGACCGCGCGCAGGGTGCAG[A>G]GCAGGGCCCGCACGCTCCGCACCACTCGCAGCGCCATGTTCGCAGGGGTGCGGGGGTCGC-3'
Protein context (NP_004474.2, residues 3-23): LRVVRSVRAL[Leu13Pro]CTLRAVPSPA